The following is an entry in ClinVar:

NM_007294.4(BRCA1):c.3769G>A (p.Glu1257Lys)

Genes: BRCA1 (BRCA1 DNA repair associated; minus strand), LOC126862571 (BRD4-independent group 4 enhancer GRCh37_chr17:41243136-41244335; plus strand). Cytogenetic location: 17q21.31.
Variant type: single nucleotide variant.
Coding change: c.3769G>A on transcript NM_007294.4 (MANE Select); coding-DNA position 3769, G replaced by A.
Protein change: p.Glu1257Lys; replaces glutamic acid 1257 with lysine.
Molecular consequence: missense variant. On other transcripts: intron variant (135).
Genome position (GRCh38, 1-based): chr17:43,091,762, C>T on the plus strand (G>A on the coding strand, the complement: BRCA1 is on the minus strand). VCF-style: chr17-43091762-C-T. GRCh37 (hg19) VCF-style: chr17-41243779-C-T.
Other names: c.662-730G>A (NM_001408435.1, NM_001408446.1, NM_001408448.1 and 6 more transcripts); c.785-730G>A (NM_001408401.1, NM_001408396.1, NM_001407985.1 and 13 more transcripts); c.3769G>A, p.Glu1257Lys (NM_001407593.1, NM_001407594.1, NM_001407605.1 and 30 more transcripts); c.548-730G>A (NM_001408494.1); c.665-730G>A (NM_001408430.1, NM_001408444.1, NM_001408438.1 and 12 more transcripts); c.671-730G>A (NM_001408423.1, NM_001408420.1, NM_001408419.1 and 2 more transcripts); c.788-730G>A (NM_001408472.1, NM_001407990.1, NM_007299.4 and 17 more transcripts); c.3766G>A, p.Glu1256Lys (NM_001407612.1, NM_001407613.1, NM_001407610.1 and 22 more transcripts); and 41 more; short protein forms E1257K, E1210K, E1146K, E1168K, E1190K, E1215K, E1216K, E1231K.
Identifiers: ClinVar variation 580205 (VCV000580205.13), dbSNP rs1567790183, ClinGen allele CA10594435.

ClinVar aggregate classification (germline): Conflicting classifications of pathogenicity. Review status: criteria provided, conflicting classifications (1 of 4 stars). 2 submissions from 2 submitters: Uncertain significance (1); Likely benign (1). Last evaluated 2025-02-05.

Conditions:
Hereditary breast ovarian cancer syndrome. Also called: Hereditary breast and ovarian cancer syndrome; Hereditary breast and ovarian cancer syndrome (HBOC); BRCA1- and BRCA2-Associated Hereditary Breast and Ovarian Cancer; Hereditary breast and/or ovarian cancer syndrome; Hereditary breast and ovarian cancer; Breast and ovarian cancer. Identifiers: Orphanet 145, MedGen C0677776, MeSH D061325, MONDO:0003582. Disease mechanism: loss of function.
Hereditary cancer-predisposing syndrome. Also called: Neoplastic Syndromes, Hereditary; Tumor predisposition; Hereditary neoplastic syndrome; Hereditary Cancer Syndrome. Identifiers: Orphanet 140162, MedGen C0027672, MeSH D009386, MONDO:0015356.

Allele frequency attached by ClinVar (database versions not stated): gnomAD exomes below 0.00001.
gnomAD v4.1: 2 of 1,614,222 alleles (0.00012%); highest among the groups gnomAD compares: Non-Finnish European, 0.00017%; no homozygotes.

Submissions (2):

Labcorp Genetics (formerly Invitae), Labcorp
Classification: Uncertain significance for Hereditary breast ovarian cancer syndrome. Last evaluated: 2025-02-05. Review status: criteria provided, single submitter. Criteria: Invitae Variant Classification Sherloc (09022015). Collection method: clinical testing. Allele origin: germline.
Comment: This sequence change replaces glutamic acid, which is acidic and polar, with lysine, which is basic and polar, at codon 1257 of the BRCA1 protein (p.Glu1257Lys). This variant is not present in population databases (gnomAD no frequency). This variant has not been reported in the literature in individuals affected with BRCA1-related conditions. ClinVar contains an entry for this variant (Variation ID: 580205). Invitae Evidence Modeling of protein sequence and biophysical properties (such as structural, functional, and spatial information, amino acid conservation, physicochemical variation, residue mobility, and thermodynamic stability) indicates that this missense variant is not expected to disrupt BRCA1 protein function with a negative predictive value of 80%. In summary, the available evidence is currently insufficient to determine the role of this variant in disease. Therefore, it has been classified as a Variant of Uncertain Significance.

University of Washington Department of Laboratory Medicine, University of Washington
Classification: Likely benign for Hereditary cancer-predisposing syndrome. Last evaluated: 2023-03-23. Review status: criteria provided, single submitter. Criteria: Dines et al. (Genet Med. 2020). Collection method: curation. Allele origin: germline.
Comment: Missense variant in a coldspot region where missense variants are very unlikely to be pathogenic (PMID:31911673).

BRCA1 coldspot (exon 11 using historical exon numbering). Reclassification based on statistical prior probability